The following is an entry in ClinVar:

ClinVar aggregate classification (germline): Uncertain significance (1 of 4 stars; one submission).

Conditions:
EGFR-related lung cancer (EGFR). Identifiers: MedGen CN130014.

Submission:

Labcorp Genetics (formerly Invitae), Labcorp
Classification: Uncertain significance for EGFR-related lung cancer. Last evaluated: 2021-05-18. Review status: criteria provided, single submitter. Criteria: Invitae Variant Classification Sherloc (09022015). Collection method: clinical testing. Allele origin: germline.
Comment: Algorithms developed to predict the effect of missense changes on protein structure and function are either unavailable or do not agree on the potential impact of this missense change (SIFT: "Deleterious"; PolyPhen-2: "Probably Damaging"; Align-GVGD: "Class C0"). In summary, the available evidence is currently insufficient to determine the role of this variant in disease. Therefore, it has been classified as a Variant of Uncertain Significance. This variant has not been reported in the literature in individuals with EGFR-related conditions. This variant is not present in population databases (ExAC no frequency). This sequence change replaces asparagine with lysine at codon 36 of the EGFR protein (p.Asn36Lys). The asparagine residue is highly conserved and there is a moderate physicochemical difference between asparagine and lysine.

NM_005228.5(EGFR):c.108C>A (p.Asn36Lys)

Gene: EGFR (epidermal growth factor receptor; plus strand). Cytogenetic location: 7p11.2.
Variant type: single nucleotide variant.
Coding change: c.108C>A on transcript NM_005228.5 (MANE Select); coding-DNA position 108, C replaced by A.
Protein change: p.Asn36Lys; replaces asparagine 36 with lysine.
Molecular consequence: missense variant. On other transcripts: 5 prime UTR variant (1), intron variant (1).
Genome position (GRCh38, 1-based): chr7:55,142,305, C>A. VCF-style: chr7-55142305-C-A. GRCh37 (hg19) VCF-style: chr7-55209998-C-A.
Other names: c.108C>A, p.Asn36Lys (NM_001346897.2, NM_001346898.2, NM_001346899.2 and 3 more transcripts); c.-52C>A (NM_001346900.2); c.89-13525C>A (NM_001346941.2); short protein forms N36K.
Identifiers: ClinVar variation 1465092 (VCV001465092.8), dbSNP rs1794504721, ClinGen allele CA367574179.